The following is an entry in ClinVar:

NM_133510.4(RAD51B):c.464T>C (p.Ile155Thr)

Gene: RAD51B (RAD51 paralog B; plus strand). Cytogenetic location: 14q24.1.
Variant type: single nucleotide variant.
Coding change: c.464T>C on transcript NM_133510.4 (MANE Select); coding-DNA position 464, T replaced by C.
Protein change: p.Ile155Thr; replaces isoleucine 155 with threonine.
Molecular consequence: missense variant.
Genome position (GRCh38, 1-based): chr14:67,885,880, T>C. VCF-style: chr14-67885880-T-C. GRCh37 (hg19) VCF-style: chr14-68352597-T-C.
Other names: c.464T>C, p.Ile155Thr (NM_001321809.2, NM_001321810.2, NM_001321812.1 and 6 more transcripts); c.350T>C, p.Ile117Thr (NM_001321815.1); c.107T>C, p.Ile36Thr (NM_001321817.2); short protein forms I36T, I117T, I155T.
Identifiers: ClinVar variation 4149842 (VCV004149842.1).

ClinVar aggregate classification (germline): Uncertain significance (1 of 4 stars; one submission).

Submission:

Ambry Genetics
Classification: Uncertain significance. Last evaluated: 2025-08-02. Review status: criteria provided, single submitter. Criteria: Ambry Variant Classification Scheme 2023. Collection method: clinical testing. Allele origin: germline.
Comment: The p.I155T variant (also known as c.464T>C), located in coding exon 5 of the RAD51B gene, results from a T to C substitution at nucleotide position 464. The isoleucine at codon 155 is replaced by threonine, an amino acid with similar properties. This amino acid position is conserved. In addition, this alteration is predicted to be deleterious by in silico analysis. Based on the available evidence, the clinical significance of this variant remains unclear.